The following is an entry in ClinVar:

NM_001009944.3(PKD1):c.3769G>T (p.Glu1257Ter)

Gene: PKD1 (polycystin 1, transient receptor potential channel interacting; minus strand). Cytogenetic location: 16p13.3.
Variant type: single nucleotide variant.
Coding change: c.3769G>T on transcript NM_001009944.3 (MANE Select); coding-DNA position 3769, G replaced by T.
Protein change: p.Glu1257Ter; replaces glutamic acid 1257 with a stop codon.
Molecular consequence: nonsense.
Genome position (GRCh38, 1-based): chr16:2,111,398, C>A on the plus strand (G>T on the coding strand, the complement: PKD1 is on the minus strand). VCF-style: chr16-2111398-C-A. GRCh37 (hg19) VCF-style: chr16-2161399-C-A.
Other names: c.3769G>T, p.Glu1257Ter (NM_000296.4); short protein forms E1257*.
Identifiers: ClinVar variation 5038166 (VCV005038166.1).

ClinVar aggregate classification (germline): Pathogenic (1 of 4 stars; one submission).

Conditions:
Polycystic kidney disease, adult type (PKD1). Also called: Polycystic Kidney Disease 1, Autosomal Dominant; POLYCYSTIC KIDNEY DISEASE, ADULT, TYPE I; Polycystic kidney disease 1; Polycystic kidney disease 1, severe; POLYCYSTIC KIDNEY DISEASE 1 WITH OR WITHOUT POLYCYSTIC LIVER DISEASE; Polycystic Kidney, Autosomal Dominant. Identifiers: MedGen C3149841, MONDO:0008263, OMIM 173900.

Submission:

MVZ Medizinische Genetik Mainz
Classification: Pathogenic for Polycystic kidney disease, adult type. Last evaluated: 2026-10-01. Review status: criteria provided, single submitter. Criteria: UK Practice Guidelines For Variant Classification V4 01 2020. Collection method: clinical testing. Allele origin: germline. Inheritance: Autosomal dominant inheritance. Affected: yes. Observed: 1 variant allele.
Comment: ACMG Criteria: PVS1,PM2_SUP,PP4